The following is an entry in ClinVar:

ClinVar aggregate classification (germline): Uncertain significance (1 of 4 stars; one submission).

Conditions:
Inborn genetic diseases. Identifiers: MedGen C0950123, MeSH D030342.

Submission:

Ambry Genetics
Classification: Uncertain significance for Inborn genetic diseases. Last evaluated: 2024-12-31. Review status: criteria provided, single submitter. Criteria: Ambry Variant Classification Scheme 2023. Collection method: clinical testing. Allele origin: germline.
Comment: The p.L1619F variant (also known as c.4857A>C), located in coding exon 32 of the ANKRD26 gene, results from an A to C substitution at nucleotide position 4857. The leucine at codon 1619 is replaced by phenylalanine, an amino acid with highly similar properties. This amino acid position is conserved. In addition, this alteration is predicted to be tolerated by in silico analysis. Based on the available evidence, the clinical significance of this variant remains unclear.

NM_014915.3(ANKRD26):c.4857A>C (p.Leu1619Phe)

Gene: ANKRD26 (ankyrin repeat domain containing 26; minus strand). Cytogenetic location: 10p12.1.
Variant type: single nucleotide variant.
Coding change: c.4857A>C on transcript NM_014915.3 (MANE Select); coding-DNA position 4857, A replaced by C.
Protein change: p.Leu1619Phe; replaces leucine 1619 with phenylalanine.
Molecular consequence: missense variant.
Genome position (GRCh38, 1-based): chr10:27,012,978, T>G on the plus strand (A>C on the coding strand, the complement: ANKRD26 is on the minus strand). VCF-style: chr10-27012978-T-G. GRCh37 (hg19) VCF-style: chr10-27301907-T-G.
Other names: c.4854A>C, p.Leu1618Phe (NM_001256053.2); short protein forms L1618F, L1619F.
Identifiers: ClinVar variation 3869867 (VCV003869867.1).